The following is an entry in ClinVar:

NM_033026.6(PCLO):c.5549A>C (p.Glu1850Ala)

Gene: PCLO (piccolo presynaptic cytomatrix protein; minus strand). Cytogenetic location: 7q21.11.
Variant type: single nucleotide variant.
Coding change: c.5549A>C on transcript NM_033026.6 (MANE Select); coding-DNA position 5549, A replaced by C.
Protein change: p.Glu1850Ala; replaces glutamic acid 1850 with alanine.
Molecular consequence: missense variant.
Genome position (GRCh38, 1-based): chr7:82,955,404, T>G on the plus strand (A>C on the coding strand, the complement: PCLO is on the minus strand). VCF-style: chr7-82955404-T-G. GRCh37 (hg19) VCF-style: chr7-82584720-T-G.
Other names: c.5549A>C, p.Glu1850Ala (NM_014510.3); short protein forms E1850A.
Identifiers: ClinVar variation 1435928 (VCV001435928.5), dbSNP rs774166520, ClinGen allele CA4320633.
Genomic context (GRCh38, chr7:82,955,404, plus strand): 5'-AAACCTTCTGGGTCTGACTCTATGCTAGGTGAATATTCAGAACAAGAAGATCTATGGAGC[T>G]CCTCCATTTCTGCAGCCTGACGTAACTCTTCTGTCGGAGATGCATCTTCAATGGGAGAGA-3'
Protein context (NP_149015.2, residues 1840-1860): EELRQAAEME[Glu1850Ala]LHRSSCSEYS

ClinVar aggregate classification (germline): Uncertain significance (1 of 4 stars; one submission).

Allele frequency attached by ClinVar (database versions not stated): gnomAD 0.00001; ExAC 0.00002; gnomAD exomes 0.00002; TOPMed 0.00002.
gnomAD v4.1: 34 of 1,613,684 alleles (0.0021%); highest among the groups gnomAD compares: Non-Finnish European, 0.0028%; no homozygotes.

Submission:

Labcorp Genetics (formerly Invitae), Labcorp
Classification: Uncertain significance. Last evaluated: 2022-07-06. Review status: criteria provided, single submitter. Criteria: Invitae Variant Classification Sherloc (09022015). Collection method: clinical testing. Allele origin: germline.
Comment: This sequence change replaces glutamic acid, which is acidic and polar, with alanine, which is neutral and non-polar, at codon 1850 of the PCLO protein (p.Glu1850Ala). This variant is present in population databases (rs774166520, gnomAD 0.004%). This variant has not been reported in the literature in individuals affected with PCLO-related conditions. ClinVar contains an entry for this variant (Variation ID: 1435928). Algorithms developed to predict the effect of missense changes on protein structure and function are either unavailable or do not agree on the potential impact of this missense change (SIFT: "Deleterious"; PolyPhen-2: "Not Available"; Align-GVGD: "Class C0"). In summary, the available evidence is currently insufficient to determine the role of this variant in disease. Therefore, it has been classified as a Variant of Uncertain Significance.